The following is an entry in ClinVar:

ClinVar aggregate classification (germline): Benign/Likely benign. Review status: criteria provided, multiple submitters, no conflicts (2 of 4 stars). 4 submissions from 4 submitters: Benign (3); Likely benign (1). Last evaluated 2025-06-02.

Conditions:
Primary familial polycythemia due to EPO receptor mutation. Also called: ERYTHROCYTOSIS, SOMATIC; Primary Familial Congenital Polycythemia; POLYCYTHEMIA, PRIMARY FAMILIAL AND CONGENITAL; Erythrocytosis, familial, 1. Identifiers: Orphanet 90042, MedGen C4551637, MONDO:0007572, OMIM 133100.

Allele frequency attached by ClinVar (database versions not stated): gnomAD exomes 0.00048 and 0.00086; ExAC 0.00074; ESP Exome Variant Server 0.00108; gnomAD 0.00115 and 0.00118; 1000 Genomes Project 0.00140; 1000 Genomes Project 30x 0.00141; TOPMed 0.00146.
gnomAD v4.1: 928 of 1,614,106 alleles (0.057%); highest among the groups gnomAD compares: African/African-American, 0.31%; 6 homozygotes.

Submissions (4):

ARUP Laboratories, Molecular Genetics and Genomics, ARUP Laboratories
Classification: Benign for Primary familial polycythemia due to EPO receptor mutation. Last evaluated: 2025-06-02. Review status: criteria provided, single submitter. Criteria: ARUP Molecular Germline Variant Investigation Process 2024. Collection method: clinical testing. Allele origin: germline.

Labcorp Genetics (formerly Invitae), Labcorp
Classification: Benign. Last evaluated: 2025-02-07. Review status: criteria provided, single submitter. Criteria: Invitae Variant Classification Sherloc (09022015). Collection method: clinical testing. Allele origin: germline.

Blueprint Genetics
Classification: Likely benign. Last evaluated: 2024-10-15. Review status: criteria provided, single submitter. Criteria: ACMG Guidelines, 2015. Collection method: clinical testing. Allele origin: germline.

Illumina Laboratory Services, Illumina
Classification: Benign for Primary familial polycythemia due to EPO receptor mutation. Last evaluated: 2018-01-12. Review status: criteria provided, single submitter. Criteria: ICSL Variant Classification Criteria 13 December 2019. Collection method: clinical testing. Allele origin: germline.
Comment: This variant was observed in the ICSL laboratory as part of a predisposition screen in an ostensibly healthy population. It had not been previously curated by ICSL or reported in the Human Gene Mutation Database (HGMD: prior to June 1st, 2018), and was therefore a candidate for classification through an automated scoring system. Utilizing variant allele frequency, disease prevalence and penetrance estimates, and inheritance mode, an automated score was calculated to assess if this variant is too frequent to cause the disease. Based on the score and internal cut-off values, a variant classified as benign is not then subjected to further curation. The score for this variant resulted in a classification of benign for this disease.

NM_000121.4(EPOR):c.1398T>C (p.Thr466=)

Gene: EPOR (erythropoietin receptor; minus strand). Cytogenetic location: 19p13.2.
Variant type: single nucleotide variant.
Coding change: c.1398T>C on transcript NM_000121.4 (MANE Select); coding-DNA position 1398, T replaced by C.
Protein change: p.Thr466=; no amino-acid change (threonine 466 retained).
Molecular consequence: synonymous variant. On other transcripts: non-coding transcript variant (1).
Genome position (GRCh38, 1-based): chr19:11,378,113, A>G on the plus strand (T>C on the coding strand, the complement: EPOR is on the minus strand). VCF-style: chr19-11378113-A-G. GRCh37 (hg19) VCF-style: chr19-11488789-A-G.
Identifiers: ClinVar variation 328141 (VCV000328141.11), dbSNP rs138190746, ClinGen allele CA9210524.
Genomic context (GRCh38, chr19:11,378,113, plus strand): 5'-GGAGTAGGGGCCATCGGATAAGCCCCCTTGGGCTCCCTGGGAGTCCCCTGAGCTGTAGTC[A>G]GTTGAGATGCCAGAGTCAGATACCACAAGGTACAGGTACTTTAGGTGGGGTGGGGTAGGG-3'
Protein context (NP_000112.1, residues 456-476): YLVVSDSGIS[Thr466=]DYSSGDSQGA